The following is an entry in ClinVar:

NM_001367624.2(ZNF469):c.3341G>T (p.Arg1114Leu)

Gene: ZNF469 (zinc finger protein 469; plus strand). Cytogenetic location: 16q24.2.
Variant type: single nucleotide variant.
Coding change: c.3341G>T on transcript NM_001367624.2 (MANE Select); coding-DNA position 3341, G replaced by T.
Protein change: p.Arg1114Leu; replaces arginine 1114 with leucine.
Molecular consequence: missense variant.
Genome position (GRCh38, 1-based): chr16:88,430,811, G>T. VCF-style: chr16-88430811-G-T. GRCh37 (hg19) VCF-style: chr16-88497219-G-T.
Other names: NM_001127464.1:c.3257G>T; NM_001127464.2:c.3257G>T; p.Arg1114Leu; short protein forms R1114L.
Identifiers: ClinVar variation 493198 (VCV000493198.61), dbSNP rs568046708, ClinGen allele CA8224846.
Genomic context (GRCh38, chr16:88,430,811, plus strand): 5'-TCGCCTCGGAGTCCGAGGAGGACGAGCAGCCTCCGCCGCGGGGCCCCGGCTTCAGAGGCC[G>T]GCGGGGCCGAGGCGAGAAGAGGAAGGAAGTGGAGCTGACCCAGGGTCCCAGAGAGGATGA-3'
Protein context (NP_001354553.1, residues 1104-1124): PPPRGPGFRG[Arg1114Leu]RGRGEKRKEV

ClinVar aggregate classification (germline): Benign/Likely benign. Review status: criteria provided, multiple submitters, no conflicts (2 of 4 stars). 13 submissions from 13 submitters: Benign (4); Likely benign (6). 3 of the submissions do not count toward it. Last evaluated 2026-04-08.

Conditions:
ZNF469-related disorder. Also called: ZNF469-related condition.
Brittle cornea syndrome 1 (BCS1). Also called: Corneal fragility keratoglobus, blue sclerae AND joint hypermobility; FRAGILITAS OCULI WITH JOINT HYPEREXTENSIBILITY; DYSGENESIS MESODERMALIS CORNEAE ET SCLERAE; CORNEAL FRAGILITY, KERATOGLOBUS, BLUE SCLERAE, JOINT HYPEREXTENSIBILITY; EDS6B. Identifiers: Orphanet 90354, MedGen C0268344, MONDO:0024543, OMIM 229200.
Cardiovascular phenotype. Identifiers: MedGen CN230736.
Ehlers-Danlos syndrome (EDS). Identifiers: Orphanet 98249, MedGen C0013720, MONDO:0020066.

Allele frequency attached by ClinVar (database versions not stated): 1000 Genomes Project 0.00060; 1000 Genomes Project 30x 0.00125; TOPMed 0.00251.
gnomAD v4.1: 3,769 of 1,531,412 alleles (0.25%); highest among the groups gnomAD compares: South Asian, 0.29%; 10 homozygotes.

Submissions (13):

Women's Health and Genetics/Laboratory Corporation of America, LabCorp
Classification: Benign. Last evaluated: 2026-04-08. Review status: criteria provided, single submitter. Criteria: LabCorp Variant Classification Summary - May 2015. Collection method: clinical testing. Allele origin: germline.
Comment: Variant summary: ZNF469 c.3341G>T (p.Arg1114Leu) results in a non-conservative amino acid change in the encoded protein sequence. Algorithms developed to predict the effect of missense changes on protein structure and function are either unavailable or do not agree on the potential impact of this missense change. The variant allele was found at a frequency of 0.0023 in 127222 control chromosomes, predominantly at a frequency of 0.0035 within the South Asian subpopulation in the gnomAD database, including 1 homozygotes. The observed variant frequency within South Asian control individuals in the gnomAD database exceeds the estimated maximal expected allele frequency for disease-causing variants in ZNF469. To our knowledge, no occurrence of c.3341G>T in individuals affected with ZNF469-related conditions and no experimental evidence demonstrating its impact on protein function have been reported. ClinVar contains an entry for this variant (Variation ID: 493198). Based on the evidence outlined above, the variant was classified as benign.

CeGaT Center for Human Genetics Tuebingen
Classification: Likely benign. Last evaluated: 2026-04-01. Review status: criteria provided, single submitter. Criteria: CeGaT Center For Human Genetics Tuebingen Variant Classification Criteria Version 2. Collection method: clinical testing. Allele origin: germline. Affected: yes. Observed: 11 variant alleles.
Comment: ZNF469: BP4, BS2

Labcorp Genetics (formerly Invitae), Labcorp
Classification: Benign. Last evaluated: 2026-02-04. Review status: criteria provided, single submitter. Criteria: Invitae Variant Classification Sherloc (09022015). Collection method: clinical testing. Allele origin: germline.

Blueprint Genetics
Classification: Likely benign. Last evaluated: 2024-11-18. Review status: criteria provided, single submitter. Criteria: ACMG Guidelines, 2015. Collection method: clinical testing. Allele origin: germline.

Mayo Clinic Laboratories, Mayo Clinic
Classification: Benign. Last evaluated: 2023-01-12. Review status: criteria provided, single submitter. Criteria: ACMG Guidelines, 2015. Collection method: clinical testing. Allele origin: germline. Observed: 16 variant alleles.
Comment: BS1, BS2, BP4

Genome Diagnostics Laboratory, The Hospital for Sick Children
Classification: Likely benign for Ehlers-Danlos syndrome. Last evaluated: 2022-06-06. Review status: criteria provided, single submitter. Criteria: ACMG Guidelines, 2015. Collection method: clinical testing. Allele origin: germline.

Genome-Nilou Lab
Classification: Benign for Brittle cornea syndrome 1. Last evaluated: 2021-12-05. Review status: criteria provided, single submitter. Criteria: ACMG Guidelines, 2015. Collection method: clinical testing. Allele origin: germline. Affected: no.

GeneDx
Classification: Likely benign. Last evaluated: 2021-05-20. Review status: criteria provided, single submitter. Criteria: GeneDx Variant Classification Process June 2021. Collection method: clinical testing. Allele origin: germline. Affected: yes.
Comment: This variant is associated with the following publications: (PMID: 26964041)

Department of Pathology and Laboratory Medicine, Sinai Health System
Classification: Likely benign for Brittle cornea syndrome 1. Last evaluated: 2019-09-15. Review status: criteria provided, single submitter. Criteria: ACMG Guidelines, 2015. Collection method: research. Allele origin: germline.

Ambry Genetics
Classification: Likely benign for Cardiovascular phenotype. Last evaluated: 2018-12-30. Review status: criteria provided, single submitter. Criteria: Ambry Variant Classification Scheme 2023. Collection method: clinical testing. Allele origin: germline.

PreventionGenetics, part of Exact Sciences
Classification: Likely benign for ZNF469-related condition. Last evaluated: 2020-03-16. Review status: no assertion criteria provided. Collection method: clinical testing. Allele origin: germline. Not counted in ClinVar's aggregate classification.
Comment: This variant is classified as likely benign based on ACMG/AMP sequence variant interpretation guidelines (Richards et al. 2015 PMID: 25741868, with internal and published modifications).

Clinical Genetics DNA and cytogenetics Diagnostics Lab, Erasmus MC, Erasmus Medical Center
Classification: Benign. Review status: no assertion criteria provided. Collection method: clinical testing. Allele origin: germline. Affected: yes. Study: VKGL Data-share Consensus. Not counted in ClinVar's aggregate classification.

Genome Diagnostics Laboratory, Amsterdam University Medical Center
Classification: Likely benign. Review status: no assertion criteria provided. Collection method: clinical testing. Allele origin: germline. Affected: yes. Study: VKGL Data-share Consensus. Not counted in ClinVar's aggregate classification.